The following is an entry in ClinVar:

NM_020884.7(MYH7B):c.1006G>A (p.Asp336Asn)

Gene: MYH7B (myosin heavy chain 7B; plus strand). Cytogenetic location: 20q11.22.
Variant type: single nucleotide variant.
Coding change: c.1006G>A on transcript NM_020884.7 (MANE Select); coding-DNA position 1006, G replaced by A.
Protein change: p.Asp336Asn; replaces aspartic acid 336 with asparagine.
Molecular consequence: missense variant.
Genome position (GRCh38, 1-based): chr20:34,986,987, G>A. VCF-style: chr20-34986987-G-A. GRCh37 (hg19) VCF-style: chr20-33574790-G-A.
Other names: short protein forms D336N.
Identifiers: ClinVar variation 4982542 (VCV004982542.1).

ClinVar aggregate classification (germline): Uncertain significance (1 of 4 stars; one submission).

Conditions:
MYH7B-related disorder. Also called: MYH7B-related condition.

gnomAD v4.1: 23 of 1,612,682 alleles (0.0014%); highest among the groups gnomAD compares: Middle Eastern, 0.016%; no homozygotes.

Submission:

PreventionGenetics, part of Exact Sciences
Classification: Uncertain significance for MYH7B-related condition. Last evaluated: 2026-02-23. Review status: criteria provided, single submitter. Criteria: ACMG Guidelines, 2015. Collection method: clinical testing. Allele origin: germline.
Comment: The MYH7B c.1132G>A variant is predicted to result in the amino acid substitution p.Asp378Asn. To our knowledge, this variant has not been reported in the literature. This variant is reported in 0.020% of alleles in individuals of East Asian descent in gnomAD. At this time, the clinical significance of this variant is uncertain due to the absence of conclusive functional and genetic evidence.